The following is an entry in ClinVar:

ClinVar aggregate classification (germline): Uncertain significance. Review status: criteria provided, multiple submitters, no conflicts (2 of 4 stars). 2 submissions from 2 submitters: Uncertain significance (2). Last evaluated 2025-11-08.

Conditions:
Familial adenomatous polyposis 1 (FAP1). Also called: FAMILIAL ADENOMATOUS POLYPOSIS 1, ATTENUATED; POLYPOSIS, ADENOMATOUS INTESTINAL. Identifiers: MedGen C2713442, MONDO:0021056, OMIM 175100. Disease mechanism: loss of function.
Hereditary cancer-predisposing syndrome. Also called: Hereditary neoplastic syndrome; Tumor predisposition; Hereditary Cancer Syndrome; Neoplastic Syndromes, Hereditary. Identifiers: Orphanet 140162, MedGen C0027672, MeSH D009386, MONDO:0015356.

Allele frequency attached by ClinVar (database versions not stated): gnomAD exomes below 0.00001.
gnomAD v4.1: 1 of 1,614,134 alleles (0.000062%); highest among the groups gnomAD compares: East Asian, 0.0022%; no homozygotes.

Submissions (2):

Labcorp Genetics (formerly Invitae), Labcorp
Classification: Uncertain significance for Familial adenomatous polyposis 1. Last evaluated: 2025-11-08. Review status: criteria provided, single submitter. Criteria: Invitae Variant Classification Sherloc (09022015). Collection method: clinical testing. Allele origin: germline.
Comment: This sequence change replaces lysine, which is basic and polar, with asparagine, which is neutral and polar, at codon 1734 of the APC protein (p.Lys1734Asn). This variant is not present in population databases (gnomAD no frequency). This variant has not been reported in the literature in individuals affected with APC-related conditions. ClinVar contains an entry for this variant (Variation ID: 2587023). Invitae Evidence Modeling of protein sequence and biophysical properties (such as structural, functional, and spatial information, amino acid conservation, physicochemical variation, residue mobility, and thermodynamic stability) indicates that this missense variant is not expected to disrupt APC protein function with a negative predictive value of 95%. In summary, the available evidence is currently insufficient to determine the role of this variant in disease. Therefore, it has been classified as a Variant of Uncertain Significance.

Ambry Genetics
Classification: Uncertain significance for Hereditary cancer-predisposing syndrome. Last evaluated: 2023-08-23. Review status: criteria provided, single submitter. Criteria: Ambry Variant Classification Scheme 2023. Collection method: clinical testing. Allele origin: germline.
Comment: The p.K1734N variant (also known as c.5202A>C), located in coding exon 15 of the APC gene, results from an A to C substitution at nucleotide position 5202. The lysine at codon 1734 is replaced by asparagine, an amino acid with similar properties. This amino acid position is highly conserved in available vertebrate species. In addition, in silico predictors for this gene do not accurately predict pathogenicity. Since supporting evidence is limited at this time, the clinical significance of this alteration remains unclear.

NM_000038.6(APC):c.5202A>C (p.Lys1734Asn)

Gene: APC (APC regulator of Wnt signaling pathway; plus strand). Cytogenetic location: 5q22.2.
Variant type: single nucleotide variant.
Coding change: c.5202A>C on transcript NM_000038.6 (MANE Select); coding-DNA position 5202, A replaced by C.
Protein change: p.Lys1734Asn; replaces lysine 1734 with asparagine.
Molecular consequence: missense variant. On other transcripts: non-coding transcript variant (2).
Genome position (GRCh38, 1-based): chr5:112,840,796, A>C. VCF-style: chr5-112840796-A-C. GRCh37 (hg19) VCF-style: chr5-112176493-A-C.
Other names: c.4953A>C, p.Lys1651Asn (NM_001407454.1, NM_001407455.1, NM_001407456.1 and 1 more transcripts); c.4899A>C, p.Lys1633Asn (NM_001407458.1, NM_001407459.1, NM_001407460.1 and 1 more transcripts); c.4815A>C, p.Lys1605Asn (NM_001407467.1, NM_001407469.1); c.4353A>C, p.Lys1451Asn (NM_001407470.1, NM_001354906.2); c.4050A>C, p.Lys1350Asn (NM_001407471.1, NM_001407472.1); c.5202A>C, p.Lys1734Asn (NM_001127510.3, NM_001354895.2, NM_001407450.1); c.5148A>C, p.Lys1716Asn (NM_001127511.3); c.5256A>C, p.Lys1752Asn (NM_001354896.2, NM_001407447.1, NM_001407448.1 and 1 more transcripts); and 11 more; short protein forms K1451N, K1633N, K1643N, K1706N, K1727N, K1675N, K1724N, K1734N.
Identifiers: ClinVar variation 2587023 (VCV002587023.3), dbSNP rs1765877168, ClinGen allele CA16032701.